The following continues an entry in ClinVar:

NM_001009944.3(PKD1):c.9829C>T (p.Arg3277Cys)

Gene: PKD1. ClinVar aggregate classification (germline): Conflicting classifications of pathogenicity. Pathogenic (9); Likely pathogenic (5); Uncertain significance (1).

Submissions 6 to 18 of 18:

GeneDx
Classification: Likely pathogenic. Last evaluated: 2025-08-04. Review status: criteria provided, single submitter. Criteria: GeneDx Variant Classification Process June 2021. Collection method: clinical testing. Allele origin: germline. Affected: yes.
Comment: A knock-in mouse model demonstrated mice that were heterozygous for the R3277C variant had no clinical features, homozygous mice developed gradual cystogenesis, and mice that were compound heterozygous for the R3277C variant and a null allele had rapidly progressive disease (PMID: 23064367); In silico analysis supports that this missense variant has a deleterious effect on protein structure/function; This variant is associated with the following publications: (PMID: 30249452, 32457805, 28903946, 24907393, 29463793, 31589614, 35325889, 34953771, 34662459, 33639313, 34290017, 34806449, 35037466, 34671066, 33705824, 26139440, 33168999, 33437033, DurkieM2023[Article], 37345660, 37372410, ChenJM2023[Preprint], 37519231, 37231942, 35896062, 37418622, 20558538, 32939031, 35358475, 37543885, 19165178, 23431072, 23064367, 30476936, 20301424, 35372954, 35368817, 40114603, 27499327, 39145639, 39026710, 38385746, 37953472, 38854144, 31808745, 28194574, 34169210, 40554762, 36564419, 40237039, 40300563, 31042058, 36422996, 40061354, 33802342)

Women's Health and Genetics/Laboratory Corporation of America, LabCorp
Classification: Pathogenic for PKD1-Biallelic Autosomal Recessive Polycystic Kidney Disease. Last evaluated: 2025-06-18. Review status: criteria provided, single submitter. Criteria: LabCorp Variant Classification Summary - May 2015. Collection method: clinical testing. Allele origin: germline.
Comment: Variant summary: PKD1 c.9829C>T (p.Arg3277Cys) results in a non-conservative amino acid change in the encoded protein sequence. Algorithms developed to predict the effect of missense changes on protein structure and function all suggest that this variant is likely to be disruptive. The variant allele was found at a frequency of 0.00017 in 174022 control chromosomes (gnomAD). This frequency is not significantly higher than estimated for a pathogenic variant in PKD1 causing PKD1-Biallelic Autosomal Recessive Polycystic Kidney Disease, allowing no conclusion about variant significance. c.9829C>T has been observed as a hypomorphic variant in multiple individuals affected with PKD1-Biallelic Autosomal Recessive Polycystic Kidney Disease (e.g., Rossetti_2009). In one family it was found in an in-utero onset individual who was compound heterozygous with a nonsense variant, while in another family it was found in 2 homoyzgous cases with typical end stage renal disease, and several heterozygous carriers had mild disease. These data indicate that the variant is very likely to be associated with disease. At least one publication reports experimental evidence evaluating an impact on protein function using a mouse knockin model (Hopp_2012). The variant in combination with a null allele resulted in rapidly progressive disease, while the mice homozygous for the variant developed gradual cystogenesis. The variant also resulted in folding/trafficking defects and length defects in collecting duct primary cilia. The following publications have been ascertained in the context of this evaluation (PMID: 23064367, 19165178). ClinVar contains an entry for this variant (Variation ID: 192320). Based on the evidence outlined above, the variant was classified as pathogenic for Polycystic Kidney Disease 1 and PKD1-Biallelic Autosomal Recessive Polycystic Kidney Disease, with evidence of a hypomorphic effect.

Laboratory of Genetics, Children's Clinical University Hospital Latvia
Classification: Pathogenic. Last evaluated: 2025-02-16. Review status: criteria provided, single submitter. Criteria: ACMG Guidelines, 2015. Collection method: clinical testing. Allele origin: germline. Affected: yes.

Blueprint Genetics
Classification: Pathogenic for PKD1-related disorders. Last evaluated: 2024-10-29. Review status: criteria provided, single submitter. Criteria: ACMG Guidelines, 2015. Collection method: clinical testing. Allele origin: germline. Affected: yes. Observed: 5 variant alleles.

3billion
Classification: Pathogenic for PKD1-related disorder. Last evaluated: 2024-08-30. Review status: criteria provided, single submitter. Criteria: ACMG Guidelines, 2015. Collection method: clinical testing. Allele origin: germline. Affected: yes.
Comment: The variant is observed in the gnomAD v4.0.0 dataset (total allele frequency: 0.033%). Predicted Consequence/Location: Missense variant Functional studies provide strong evidence of the variant having a damaging effect on the gene or gene product (PMID: 23064367). In silico tool predictions suggest damaging effect of the variant on gene or gene product [REVEL: 0.63 (>=0.6, sensitivity 0.68 and specificity 0.92); 3Cnet: 0.69 (>=0.6, sensitivity 0.72 and precision 0.9)]. The same nucleotide change resulting in the same amino acid change has been previously reported as pathogenic/likely pathogenic with strong evidence (ClinVar ID: VCV000192320 /PMID: 19165178). The variant has been reported to be in trans with a pathogenic variant as either compound heterozygous or homozygous in at least 4 similarly affected unrelated individuals (PMID: 19165178, 26139440, 32457805, 33168999). The variant has been reported to co-segregate with the disease in at least 3 similarly affected relatives/individuals in the same family or similarly affected unrelated families (PMID: 19165178). Therefore, this variant is classified as Pathogenic according to the recommendation of ACMG/AMP guideline.

Department of Pathology and Laboratory Medicine, Sinai Health System
Classification: Likely pathogenic for Polycystic kidney disease, adult type. Last evaluated: 2024-05-23. Review status: criteria provided, single submitter. Criteria: ACMG Guidelines, 2015. Collection method: clinical testing. Allele origin: germline. Affected: yes.

Mendelics
Classification: Pathogenic for Polycystic kidney disease, adult type. Last evaluated: 2022-05-04. Review status: criteria provided, single submitter. Criteria: Mendelics Assertion Criteria 2019. Collection method: clinical testing. Allele origin: germline.

Fulgent Genetics
Classification: Pathogenic for Polycystic kidney disease, adult type. Last evaluated: 2021-06-30. Review status: criteria provided, single submitter. Criteria: ACMG Guidelines, 2015. Collection method: clinical testing. Allele origin: unknown.
Comment: This variant has been detected in individual(s) who were sent for testing of Renasight - kidney gene panel.

Illumina Laboratory Services, Illumina
Classification: Pathogenic for Polycystic kidney disease, adult type. Last evaluated: 2021-06-09. Review status: criteria provided, single submitter. Criteria: ICSLVariantClassificationCriteria RUGD 01 April 2020. Collection method: clinical testing. Allele origin: unknown.
Comment: The PKD1 c.9829C>T (p.Arg3277Cys) variant is described as a hypomorphic allele proposed to modulate renal cyst development, which when detected in a homozygous or compound heterozygous state may result in a severe PKD phenotype but in a heterozygote state may cause a few cysts or no evidence of disease (Rossetti et al. 2009; Harris and Torres 2018). Across a selection of the available literature, the p.Arg3277Cys variant, a missense variant, has been identified in at least 17 individuals with polycystic kidney disease (PKD), including four in a homozygous state and six in a compound heterozygous state most of whom had severe, early-onset PKD (Rossetti et al. 2009; Vujic et al. 2010; Audrezet et al. 2016; Mantovani et al. 2020; Durkie et al. 2021). In a four generation consanguineous family in which the p.Arg3277Cys variant segregated with disease, the variant was also found in six individuals in a heterozygous state including five individuals presenting with a mild phenotype ranging from one to five simple cysts in adulthood and in one individual with no evidence of disease (Rossetti et al. 2009). The p.Arg3277Cys variant was also found in at least five unaffected parents of an affected individual (Audrezet et al. 2016: Vujic et al. 2010; Durkie et al. 2021), although ages of the parents were not consistently specified. Control data are unavailable for this variant, which is reported at a frequency of 0.000453 in the European (non-Finnish) population of the Genome Aggregation Database v2.1.1. This allele frequency is high but may be consistent with reduced penetrance/hypomorphic allele. A knock-in mouse model found that heterozygous mice did not present with PKD but did find that homozygous, and compound heterozygous mice respectively demonstrated progressively more severe phenotypes consistent with human PKD patients, indicating the p.Arg3277Cys variant is dosage dependent and a hypomorphic modifier of the PKD phenotype (Hopp et al. 2012). Based on the collective evidence, the p.Arg3277Cys variant is classified as pathogenic (hypomorphic) for autosomal dominant polycystic kidney disease, generally associated with mild or no disease when detected in a heterozygous state and with a more severe, earlier-onset phenotype when detected in trans with a second variant.

Broad Center for Mendelian Genomics, Broad Institute of MIT and Harvard
Classification: Likely pathogenic for Polycystic kidney disease, adult type. Last evaluated: 2018-12-03. Review status: criteria provided, single submitter. Criteria: ACMG Guidelines, 2015. Collection method: research. Allele origin: germline. Inheritance: Autosomal dominant inheritance. Affected: yes.
Comment: This variant has been seen in 0.04351% (36/82736) of European (non-Finnish) chromosomes. Please note that for diseases with clinical variability, or reduced penetrance, pathogenic variants may be present at a low frequency in the general population. Although this variant has been seen in the general population, its frequency is not high enough to rule out a pathogenic role. Computational prediction tools and conservation analyses suggest that this variant may impact the protein, though this information is not predictive enough to determine pathogenicity. The p.Arg3277Cys variant in PKD1 has been reported in ten individuals in one cosanguineous family with polycystic kidney disease and segregated with disease in eight affected relatives with varying expressivity. The disease status of the remaining two relatives was unknown (PMID: 19165178). This variant was also reported in the compound heterozygous state (with a pathogenic variant in one case) in two unrelated individuals with polycystic kidney disease (PMID: 19165178, 26139440). The presence of this variant in combination with a reported pathogenic variant and in an individual with polycystic kidney disease increases the likelihood that the p.Arg3277Cys variant is pathogenic. Animal models in mice have shown that this variant in the homozygous and compound heterozygous state with a null variant does cause a phenotype matching polycystic kidney disease (PMID: 23064367). In summary, although additional studies are required to fully establish its clinical significance, this variant is likely pathogenic. ACMG/AMP Criteria applied: PP3, PP1_Moderate, PM3, PS3 (Richards 2015).

GeneReviews
No classification provided. Condition: Polycystic kidney disease, adult type. Review status: no classification provided. Collection method: literature only. Allele origin: germline. Not counted in ClinVar's aggregate classification.
Comment: Hypomorphic allele

Molecular Genetics of Inherited Kidney Disorders Laboratory, Garvan Institute of Medical Research
Classification: Uncertain significance for Autosomal dominant polycystic kidney disease. Last evaluated: 2019-01-01. Review status: flagged submission. Criteria: ACMG Guidelines, 2015. Collection method: research. Allele origin: germline. Affected: yes. Not counted in ClinVar's aggregate classification.
ClinVar note: Reason: Outlier claim with insufficient supporting evidence

Gharavi Laboratory, Columbia University
Classification: Likely benign. Last evaluated: 2018-09-16. Review status: flagged submission. Criteria: ACMG Guidelines, 2015. Collection method: research. Allele origin: germline. Affected: no. Not counted in ClinVar's aggregate classification.
ClinVar note: Reason: Outlier claim with insufficient supporting evidence

Literature cited by the submitters: PubMed 19165178 (cited by 7 submitters); PubMed 20558538 (cited by 3 submitters); PubMed 23064367 (cited by 8 submitters); PubMed 26139440 (cited by 5 submitters); PubMed 32457805 (cited by 4 submitters); PubMed 33168999 (cited by 5 submitters); PubMed 35372954 (cited by Ambry Genetics); PubMed 41225654 (cited by Ambry Genetics); PubMed 41277540 (cited by Ambry Genetics); PubMed 33639313 (cited by Variantyx, Inc.); PubMed 19161578 (cited by Department of Pathology and Laboratory Medicine, Sinai Health System); PubMed 20301424 (cited by Illumina Laboratory Services, Illumina).